The following is an entry in ClinVar:

ClinVar aggregate classification (germline): Uncertain significance (1 of 4 stars; one submission).

gnomAD v4.1: 15 of 1,613,930 alleles (0.00093%); highest among the groups gnomAD compares: African/African-American, 0.0053%; no homozygotes.

Submission:

CeGaT Center for Human Genetics Tuebingen
Classification: Uncertain significance. Last evaluated: 2026-06-01. Review status: criteria provided, single submitter. Criteria: CeGaT Center For Human Genetics Tuebingen Variant Classification Criteria Version 2. Collection method: clinical testing. Allele origin: germline. Affected: yes. Observed: 1 variant allele.
Comment: QDPR: PM2, PP4:Moderate, PM3:Supporting

NM_000320.3(QDPR):c.665C>T (p.Pro222Leu)

Gene: QDPR (quinoid dihydropteridine reductase; minus strand). Cytogenetic location: 4p15.32.
Variant type: single nucleotide variant.
Coding change: c.665C>T on transcript NM_000320.3 (MANE Select); coding-DNA position 665, C replaced by T.
Protein change: p.Pro222Leu; replaces proline 222 with leucine.
Molecular consequence: missense variant. On other transcripts: non-coding transcript variant (1).
Genome position (GRCh38, 1-based): chr4:17,487,201, G>A on the plus strand (C>T on the coding strand, the complement: QDPR is on the minus strand). VCF-style: chr4-17487201-G-A. GRCh37 (hg19) VCF-style: chr4-17488824-G-A.
Other names: c.572C>T, p.Pro191Leu (NM_001306140.2); short protein forms P191L, P222L.
Identifiers: ClinVar variation 4873764 (VCV004873764.2).